The following is an entry in ClinVar:

ClinVar aggregate classification (germline): Pathogenic. Review status: criteria provided, multiple submitters, no conflicts (2 of 4 stars). 3 submissions from 3 submitters: Pathogenic (3). Last evaluated 2025-06-16.

Conditions:
COL2A1-related disorder. Also called: COL2A1-related condition; COL2A1-related disorders.

Submissions (3):

GeneDx
Classification: Pathogenic. Last evaluated: 2025-06-16. Review status: criteria provided, single submitter. Criteria: GeneDx Variant Classification Process June 2021. Collection method: clinical testing. Allele origin: germline. Affected: yes.
Comment: Frameshift variant predicted to result in protein truncation or nonsense mediated decay in a gene for which loss of function is a known mechanism of disease; Not observed at significant frequency in large population cohorts (gnomAD); This variant is associated with the following publications: (PMID: 18276201, 10486316, 32639332)

Labcorp Genetics (formerly Invitae), Labcorp
Classification: Pathogenic. Last evaluated: 2023-08-23. Review status: criteria provided, single submitter. Criteria: Invitae Variant Classification Sherloc (09022015). Collection method: clinical testing. Allele origin: germline.
Comment: For these reasons, this variant has been classified as Pathogenic. ClinVar contains an entry for this variant (Variation ID: 503695). This premature translational stop signal has been observed in individual(s) with Stickler syndrome (PMID: 10486316, 18276201). This variant is not present in population databases (gnomAD no frequency). This sequence change creates a premature translational stop signal (p.Gly1209Valfs*18) in the COL2A1 gene. It is expected to result in an absent or disrupted protein product. Loss-of-function variants in COL2A1 are known to be pathogenic (PMID: 20179744).

PreventionGenetics, part of Exact Sciences
Classification: Pathogenic for COL2A1-related condition. Last evaluated: 2022-12-22. Review status: criteria provided, single submitter. Criteria: ACMG Guidelines, 2015. Collection method: clinical testing. Allele origin: germline.
Comment: The COL2A1 c.3624delT variant is predicted to result in a frameshift and premature protein termination (p.Gly1209Valfs*18). This variant has been reported in multiple individuals with Stickler syndrome (Table 2 in Annunen et al. 1999. PubMed ID: 10486316; Zechi-Ceide et al. 2008. PubMed ID: 18276201; Fujimoto et al. 2021. PubMed ID: 32639332). This variant has not been reported in a large population database, indicating this variant is rare. Frameshift variants in COL2A1 are expected to be pathogenic, and this variant has been classified as pathogenic by multiple submitters to the ClinVar database. Given all the evidence, we interpret c.3624del (p.Gly1209Valfs*18) as pathogenic.

Literature cited by the submitters: PubMed 10486316 (cited by Labcorp Genetics (formerly Invitae), Labcorp); PubMed 18276201 (cited by Labcorp Genetics (formerly Invitae), Labcorp); PubMed 20179744 (cited by Labcorp Genetics (formerly Invitae), Labcorp).

NM_001844.5(COL2A1):c.3624del (p.Gly1209fs)

Gene: COL2A1 (collagen type II alpha 1 chain; minus strand). Cytogenetic location: 12q13.11.
Variant type: Deletion.
Coding change: c.3624del on transcript NM_001844.5 (MANE Select); coding-DNA position 3624, one base deleted (T; older notation c.3624delT).
Protein change: p.Gly1209fs; shifts the reading frame from glycine 1209.
Molecular consequence: frameshift variant.
Genome position (GRCh38, 1-based): chr12:47,975,579, A deleted on the plus strand (T on the coding strand, the reverse complement: COL2A1 is on the minus strand). VCF-style (leftmost placement, unchanged base first): chr12-47975578-CA-C. GRCh37 (hg19) VCF-style: chr12-48369361-CA-C.
Other names: c.3624delT (NM_001844.4); c.3417del, p.Gly1140fs (NM_033150.3); short protein forms G1209fs, G1140fs.
Identifiers: ClinVar variation 503695 (VCV000503695.14), dbSNP rs1555164789, ClinGen allele CA658797882.